The following is an entry in ClinVar:

NM_005121.3(MED13):c.1036dup (p.Val346fs)

Gene: MED13 (mediator complex subunit 13; minus strand). Cytogenetic location: 17q23.2.
Variant type: Duplication.
Coding change: c.1036dup on transcript NM_005121.3 (MANE Select); coding-DNA position 1036, one base duplicated (G; older notation c.1036dupG).
Protein change: p.Val346fs; shifts the reading frame from valine 346.
Molecular consequence: frameshift variant.
Genome position (GRCh38, 1-based): chr17:62,029,987, C duplicated on the plus strand (G on the coding strand, the reverse complement: MED13 is on the minus strand); the first of 3 consecutive C bases (chr17:62,029,987-62,029,989); duplicating any one gives the same sequence. VCF-style (leftmost placement, unchanged base first): chr17-62029986-A-AC. GRCh37 (hg19) VCF-style: chr17-60107347-A-AC.
Other names: short protein forms V346fs.
Identifiers: ClinVar variation 1321405 (VCV001321405.1), dbSNP rs2143672313, ClinGen allele CA2573054536.
Genomic context (GRCh38, chr17:62,029,986, plus strand): 5'-TTCCCACCATGGTGGCTAGTACTATCGGAGTTGAAGCCATCAGATACTGAAGAAAATTTG[A>AC]CCCACTTCTGGACAGACTGAGGATCAACTGAAAACAAAACAAAAAAACAGGCTGTAGGAG-3'

ClinVar aggregate classification (germline): Likely pathogenic (1 of 4 stars; one submission).

Conditions:
Intellectual developmental disorder 61. Also called: INTELLECTUAL DEVELOPMENTAL DISORDER, AUTOSOMAL DOMINANT 61; MENTAL RETARDATION, AUTOSOMAL DOMINANT 61. Identifiers: MedGen C5231400, MONDO:0032485, OMIM 618009.

Submission:

Women's Health and Genetics/Laboratory Corporation of America, LabCorp
Classification: Likely pathogenic for Intellectual developmental disorder 61. Last evaluated: 2021-10-22. Review status: criteria provided, single submitter. Criteria: LabCorp Variant Classification Summary - May 2015. Collection method: clinical testing. Allele origin: germline.
Comment: Variant summary: MED13 c.1036dupG (p.Val346GlyfsX8) results in a premature termination codon, predicted to cause a truncation of the encoded protein or absence of the protein due to nonsense mediated decay, which are commonly known mechanisms for disease. Truncations downstream of this position have been not classified as pathogenic by our laboratory but have been reported in the HGMD database. The variant was absent in 245982 control chromosomes. To our knowledge, no occurrence of c.1036dupG in individuals affected with Intellectual Developmental Disorder 61 and no experimental evidence demonstrating its impact on protein function have been reported. No clinical diagnostic laboratories have submitted clinical-significance assessments for this variant to ClinVar after 2014. Based on the evidence outlined above, the variant was classified as likely pathogenic.